The following is an entry in ClinVar:

NM_030787.4(CFHR5):c.1453C>T (p.Gln485Ter)

Gene: CFHR5 (complement factor H related 5; plus strand). Cytogenetic location: 1q31.3.
Variant type: single nucleotide variant.
Coding change: c.1453C>T on transcript NM_030787.4 (MANE Select); coding-DNA position 1453, C replaced by T.
Protein change: p.Gln485Ter; replaces glutamine 485 with a stop codon.
Molecular consequence: nonsense.
Genome position (GRCh38, 1-based): chr1:197,004,783, C>T. VCF-style: chr1-197004783-C-T. GRCh37 (hg19) VCF-style: chr1-196973913-C-T.
Other names: short protein forms Q485*.
Identifiers: ClinVar variation 3026625 (VCV003026625.23), dbSNP rs1654242185, ClinGen allele CA343983875.
Genomic context (GRCh38, chr1:197,004,783, plus strand): 5'-TTATCAGTATATCCTCCAGGGTCAACAGTGACGTACCGTTGCCAGTCCTTCTATAAACTC[C>T]AGGGCTCTGTAACTGTAACATGCAGAAATAAACAGTGGTCAGAACCACCAAGATGCCTAG-3'

ClinVar aggregate classification (germline): Uncertain significance. Review status: criteria provided, multiple submitters, no conflicts (2 of 4 stars). 2 submissions from 2 submitters: Uncertain significance (2). Last evaluated 2024-01-09.

Conditions:
C3 glomerulonephritis. Also called: C3 GLOMERULOPATHY 3; Nephropathy due to CFHR5 Deficiency. Identifiers: Orphanet 329931, MedGen C4055342, MONDO:0013892, OMIM 614809.

Allele frequency attached by ClinVar (database versions not stated): gnomAD exomes below 0.00001.
gnomAD v4.1: 1 of 1,613,700 alleles (0.000062%); highest among the groups gnomAD compares: African/African-American, 0.0013%; no homozygotes.

Submissions (2):

Fulgent Genetics
Classification: Uncertain significance for C3 glomerulonephritis. Last evaluated: 2024-01-09. Review status: criteria provided, single submitter. Criteria: ACMG Guidelines, 2015. Collection method: clinical testing. Allele origin: germline.

CeGaT Center for Human Genetics Tuebingen
Classification: Uncertain significance. Last evaluated: 2023-12-01. Review status: criteria provided, single submitter. Criteria: CeGaT Center For Human Genetics Tuebingen Variant Classification Criteria Version 2. Collection method: clinical testing. Allele origin: germline. Affected: yes. Observed: 1 variant allele.
Comment: CFHR5: PM2